The following is an entry in ClinVar:

NM_025243.4(SLC19A3):c.1172+209A>G

Gene: SLC19A3 (solute carrier family 19 member 3; minus strand). Cytogenetic location: 2q36.3.
Variant type: single nucleotide variant.
Coding change: c.1172+209A>G on transcript NM_025243.4 (MANE Select); 209 bases into the intron after coding-DNA position 1172, A replaced by G.
Molecular consequence: intron variant.
Genome position (GRCh38, 1-based): chr2:227,695,680, T>C on the plus strand (A>G on the coding strand, the complement: SLC19A3 is on the minus strand). VCF-style: chr2-227695680-T-C. GRCh37 (hg19) VCF-style: chr2-228560396-T-C.
Identifiers: ClinVar variation 673775 (VCV000673775.1), dbSNP rs77029550, ClinGen allele CA66658742.
Genomic context (GRCh38, chr2:227,695,680, plus strand): 5'-ACAAAAAGAAAAACCTGACAATGTATCACTGCTTTTGGTCTATAAACCTACAGAGTTTTT[T>C]CCCTTGATGACTTAAGGTATATTGTAGCAATATTCAGAGAGCAAATAGTTAAATGAAAAG-3'

ClinVar aggregate classification (germline): Benign (1 of 4 stars; one submission).

Allele frequency attached by ClinVar (database versions not stated): gnomAD exomes 0.00479; gnomAD 0.04240 and 0.04578; TOPMed 0.04681; 1000 Genomes Project 0.04832; 1000 Genomes Project 30x 0.05387.
gnomAD v4.1: 8,630 of 579,568 alleles (1.5%); highest among the groups gnomAD compares: African/African-American, 14%; 571 homozygotes.

Submission:

GeneDx
Classification: Benign. Last evaluated: 2018-06-16. Review status: criteria provided, single submitter. Criteria: GeneDx Variant Classification (06012015). Collection method: clinical testing. Allele origin: germline. Affected: yes.
Comment: This variant is considered likely benign or benign based on one or more of the following criteria: it is a conservative change, it occurs at a poorly conserved position in the protein, it is predicted to be benign by multiple in silico algorithms, and/or has population frequency not consistent with disease.